The following is an entry in ClinVar:

ClinVar aggregate classification (germline): Uncertain significance. Review status: criteria provided, multiple submitters, no conflicts (2 of 4 stars). 2 submissions from 2 submitters: Uncertain significance (2). Last evaluated 2026-06-17.

Conditions:
Nephronophthisis. Also called: Juvenile Nephronophthisis. Identifiers: Orphanet 655, MedGen C0687120, MONDO:0019005, HP:0000090.
Inborn genetic diseases. Identifiers: MedGen C0950123, MeSH D030342.

Allele frequency attached by ClinVar (database versions not stated): ExAC 0.00002; gnomAD 0.00001.
gnomAD v4.1: 5 of 1,613,914 alleles (0.00031%); highest among the groups gnomAD compares: Admixed American, 0.0083%; no homozygotes.

Submissions (2):

Ambry Genetics
Classification: Uncertain significance for Inborn genetic diseases. Last evaluated: 2026-06-17. Review status: criteria provided, single submitter. Criteria: Ambry Variant Classification Scheme 2023. Collection method: clinical testing. Allele origin: germline.

Labcorp Genetics (formerly Invitae), Labcorp
Classification: Uncertain significance for Nephronophthisis. Last evaluated: 2024-10-29. Review status: criteria provided, single submitter. Criteria: Invitae Variant Classification Sherloc (09022015). Collection method: clinical testing. Allele origin: germline.
Comment: This sequence change replaces tyrosine, which is neutral and polar, with phenylalanine, which is neutral and non-polar, at codon 1187 of the NPHP3 protein (p.Tyr1187Phe). This variant is present in population databases (rs774889708, gnomAD 0.01%). This variant has not been reported in the literature in individuals affected with NPHP3-related conditions. ClinVar contains an entry for this variant (Variation ID: 1508674). Invitae Evidence Modeling of protein sequence and biophysical properties (such as structural, functional, and spatial information, amino acid conservation, physicochemical variation, residue mobility, and thermodynamic stability) has been performed for this missense variant. However, the output from this modeling did not meet the statistical confidence thresholds required to predict the impact of this variant on NPHP3 protein function. In summary, the available evidence is currently insufficient to determine the role of this variant in disease. Therefore, it has been classified as a Variant of Uncertain Significance.

NM_153240.5(NPHP3):c.3560A>T (p.Tyr1187Phe)

Genes: NPHP3 (nephrocystin 3; minus strand), NPHP3-ACAD11 (NPHP3-ACAD11 readthrough (NMD candidate); minus strand). Cytogenetic location: 3q22.1.
Variant type: single nucleotide variant.
Coding change: c.3560A>T on transcript NM_153240.5 (MANE Select); coding-DNA position 3560, A replaced by T.
Protein change: p.Tyr1187Phe; replaces tyrosine 1187 with phenylalanine.
Molecular consequence: missense variant. On other transcripts: non-coding transcript variant (1).
Genome position (GRCh38, 1-based): chr3:132,684,564, T>A on the plus strand (A>T on the coding strand, the complement: NPHP3 is on the minus strand). VCF-style: chr3-132684564-T-A. GRCh37 (hg19) VCF-style: chr3-132403408-T-A.
Other names: c.3560A>T (NM_153240.4); short protein forms Y1187F.
Identifiers: ClinVar variation 1508674 (VCV001508674.7), dbSNP rs774889708, ClinGen allele CA2621725.